The following is an entry in ClinVar:

NM_001377.3(DYNC2H1):c.2684A>G (p.Glu895Gly)

Gene: DYNC2H1 (dynein cytoplasmic 2 heavy chain 1; plus strand). Cytogenetic location: 11q22.3.
Variant type: single nucleotide variant.
Coding change: c.2684A>G on transcript NM_001377.3 (MANE Select); coding-DNA position 2684, A replaced by G.
Protein change: p.Glu895Gly; replaces glutamic acid 895 with glycine.
Molecular consequence: missense variant.
Genome position (GRCh38, 1-based): chr11:103,143,377, A>G. VCF-style: chr11-103143377-A-G. GRCh37 (hg19) VCF-style: chr11-103014106-A-G.
Other names: c.2684A>G, p.Glu895Gly (NM_001080463.2); short protein forms E895G.
Identifiers: ClinVar variation 2632607 (VCV002632607.2), dbSNP rs556178797, ClinGen allele CA6253106.
Genomic context (GRCh38, chr11:103,143,377, plus strand): 5'-ATCTTTTTACTGTACATGATTGGGAGAAAAATTTTAAAGCATTAAAAATAAAGGGGAAAG[A>G]AGTAGAACGACTTCCAAGGTATTGGAGGTTAATGTAGTACTTACGTACCATAATAATTTT-3'
Protein context (NP_001368.2, residues 885-905): NFKALKIKGK[Glu895Gly]VERLPSAVKV

ClinVar aggregate classification (germline): Uncertain significance. Review status: criteria provided, multiple submitters, no conflicts (2 of 4 stars). 2 submissions from 2 submitters: Uncertain significance (2). Last evaluated 2024-08-13.

Conditions:
DYNC2H1-related disorder. Also called: DYNC2H1-related condition; DYNC2H1-related disorders. Identifiers: MedGen CN378770.
Asphyxiating thoracic dystrophy 3. Also called: SHORT-RIB THORACIC DYSPLASIA 3 WITH OR WITHOUT POLYDACTYLY; POLYDACTYLY WITH NEONATAL CHONDRODYSTROPHY, TYPE I; SHORT-RIB THORACIC DYSPLASIA 3/6 WITH POLYDACTYLY, DIGENIC; Short rib polydactyly syndrome 2B; Saldino-Noonan Syndrome. Identifiers: Orphanet 474, Orphanet 93269, Orphanet 93270, Orphanet 93271, MedGen C0036069, MONDO:0013127, OMIM 613091.

Allele frequency attached by ClinVar (database versions not stated): gnomAD exomes below 0.00001; ExAC 0.00001; gnomAD 0.00001; 1000 Genomes Project 30x 0.00016; 1000 Genomes Project 0.00020.
gnomAD v4.1: 3 of 1,610,834 alleles (0.00019%); highest among the groups gnomAD compares: South Asian, 0.0033%; no homozygotes.

Submissions (2):

Laboratorio de Genetica e Diagnostico Molecular, Hospital Israelita Albert Einstein
Classification: Uncertain significance for Asphyxiating thoracic dystrophy 3. Last evaluated: 2024-08-13. Review status: criteria provided, single submitter. Criteria: ACMG Guidelines, 2015. Collection method: clinical testing. Allele origin: germline. Affected: yes.
Comment: ACMG classification criteria: PM2 supporting

PreventionGenetics, part of Exact Sciences
Classification: Uncertain significance for DYNC2H1-related condition. Last evaluated: 2023-08-30. Review status: criteria provided, single submitter. Criteria: ACMG Guidelines, 2015. Collection method: clinical testing. Allele origin: germline.
Comment: The DYNC2H1 c.2684A>G variant is predicted to result in the amino acid substitution p.Glu895Gly. To our knowledge, this variant has not been reported in the literature. This variant is reported in 0.0034% of alleles in individuals of South Asian descent in gnomAD. At this time, the clinical significance of this variant is uncertain due to the absence of conclusive functional and genetic evidence.